The following is an entry in ClinVar:

ClinVar aggregate classification (germline): Likely pathogenic (1 of 4 stars; one submission).

Conditions:
Glycogen storage disease, type VII (GSD7). Also called: PFKM DEFICIENCY; TARUI DISEASE; MUSCLE PHOSPHOFRUCTOKINASE DEFICIENCY; GSD VII. Identifiers: Orphanet 371, MedGen C0017926, MONDO:0009295, OMIM 232800.

Submission:

Labcorp Genetics (formerly Invitae), Labcorp
Classification: Likely pathogenic for Glycogen storage disease, type VII. Last evaluated: 2021-03-27. Review status: criteria provided, single submitter. Criteria: Invitae Variant Classification Sherloc (09022015). Collection method: clinical testing. Allele origin: germline.
Comment: This variant is not present in population databases (ExAC no frequency). In summary, the currently available evidence indicates that the variant is pathogenic, but additional data are needed to prove that conclusively. Therefore, this variant has been classified as Likely Pathogenic. Algorithms developed to predict the effect of sequence changes on RNA splicing suggest that this variant may disrupt the consensus splice site, but this prediction has not been confirmed by published transcriptional studies. This variant has not been reported in the literature in individuals with PFKM-related conditions. This sequence change affects a donor splice site in intron 11 of the PFKM gene. It is expected to disrupt RNA splicing. Variants that disrupt the donor or acceptor splice site typically lead to a loss of protein function (PMID: 16199547), and loss-of-function variants in PFKM are known to be pathogenic (PMID: 7825568, 8037209).

Literature cited by the submitters: PubMed 16199547; PubMed 7825568; PubMed 8037209.

NM_000289.6(PFKM):c.1062+2T>C

Gene: PFKM (phosphofructokinase, muscle; plus strand). Cytogenetic location: 12q13.11.
Variant type: single nucleotide variant.
Coding change: c.1062+2T>C on transcript NM_000289.6 (MANE Select); the canonical splice donor site of the intron after coding-DNA position 1062, T replaced by C.
Molecular consequence: splice donor variant. On other transcripts: intron variant (1).
Genome position (GRCh38, 1-based): chr12:48,137,848, T>C. VCF-style: chr12-48137848-T-C. GRCh37 (hg19) VCF-style: chr12-48531631-T-C.
Other names: c.1086+2T>C (NM_001354741.2); c.1062+2T>C (NM_001354742.2, NM_001354743.2, NM_001354744.2 and 2 more transcripts); c.912+2T>C (NM_001354747.2, NM_001354748.2); c.1275+2T>C (NM_001166686.2, NM_001354737.1, NM_001354739.1 and 1 more transcripts); c.1371+2T>C (NM_001354736.1, NM_001354735.1); c.1206+2T>C (NM_001354740.1); c.975+2T>C (NM_001354745.2); c.937-1437T>C (NM_001354746.2); and 1 more.
Identifiers: ClinVar variation 1490746 (VCV001490746.8), dbSNP rs2135957798, ClinGen allele CA384547630.
Genomic context (GRCh38, chr12:48,137,848, plus strand): 5'-TAGTGAGCCTCTCTGGTAACCAGGCTGTGCGCCTGCCCCTCATGGAATGTGTCCAGGTGG[T>C]AAGTACTGATCCTAAACCCCTTTCTTAACACTCTCAAGCCCCTGCCTTGGAGCTCAAGGG-3'